The following is an entry in ClinVar:

ClinVar aggregate classification (germline): Uncertain significance (1 of 4 stars; one submission).

gnomAD v4.1: 2 of 1,610,298 alleles (0.00012%); highest among the groups gnomAD compares: Non-Finnish European, 0.000085%; no homozygotes.

Submission:

Dasa
Classification: Uncertain significance. Last evaluated: 2025-09-20. Review status: criteria provided, single submitter. Criteria: DASA Assertion Criteria. Collection method: clinical testing. Allele origin: germline.
Comment: NM_025216.3(WNT10A):c.671T>C (p.Phe224Ser) is a missense variant that results in the substitution of phenylalanine with serine. This variant is rare in population databases. Computational prediction algorithms are consistent with a deleterious effect. The currently available literature and clinical evidence are not sufficient to establish a definitive association between this variant and the reported condition. Therefore, this variant is classified as a variant of uncertain significance.

NM_025216.3(WNT10A):c.671T>C (p.Phe224Ser)

Gene: WNT10A (Wnt family member 10A; plus strand). Cytogenetic location: 2q35.
Variant type: single nucleotide variant.
Coding change: c.671T>C on transcript NM_025216.3 (MANE Select); coding-DNA position 671, T replaced by C.
Protein change: p.Phe224Ser; replaces phenylalanine 224 with serine.
Molecular consequence: missense variant.
Genome position (GRCh38, 1-based): chr2:218,890,278, T>C. VCF-style: chr2-218890278-T-C. GRCh37 (hg19) VCF-style: chr2-219755000-T-C.
Other names: short protein forms F224S.
Identifiers: ClinVar variation 4881901 (VCV004881901.2).